The following is an entry in ClinVar:

NM_001378107.1(R3HDM1):c.2057A>G (p.His686Arg)

Gene: R3HDM1 (R3H domain containing 1; plus strand). Cytogenetic location: 2q21.3.
Variant type: single nucleotide variant.
Coding change: c.2057A>G on transcript NM_001378107.1 (MANE Select); coding-DNA position 2057, A replaced by G.
Protein change: p.His686Arg; replaces histidine 686 with arginine.
Molecular consequence: missense variant.
Genome position (GRCh38, 1-based): chr2:135,661,298, A>G. VCF-style: chr2-135661298-A-G. GRCh37 (hg19) VCF-style: chr2-136418868-A-G.
Other names: c.1955A>G, p.His652Arg (NM_001282798.2, NM_001354200.2); c.1568A>G, p.His523Arg (NM_001282799.2); c.1787A>G, p.His596Arg (NM_001282800.2); c.1952A>G, p.His651Arg (NM_001354199.2, NM_015361.4); short protein forms H523R, H596R, H651R, H652R, H686R.
Identifiers: ClinVar variation 3388169 (VCV003388169.14).

ClinVar aggregate classification (germline): Likely benign (1 of 4 stars; one submission).

gnomAD v4.1: 3,336 of 1,614,086 alleles (0.21%); highest among the groups gnomAD compares: Admixed American, 0.25%; 8 homozygotes.

Submission:

CeGaT Center for Human Genetics Tuebingen
Classification: Likely benign. Last evaluated: 2024-10-01. Review status: criteria provided, single submitter. Criteria: CeGaT Center For Human Genetics Tuebingen Variant Classification Criteria Version 2. Collection method: clinical testing. Allele origin: germline. Affected: yes. Observed: 1 variant allele.
Comment: R3HDM1: BP4, BS2